The following is an entry in ClinVar:

NM_001166108.2(PALLD):c.1965-12673C>T

Gene: PALLD (palladin, cytoskeletal associated protein; plus strand). Cytogenetic location: 4q32.3.
Variant type: single nucleotide variant.
Coding change: c.1965-12673C>T on transcript NM_001166108.2 (MANE Select); 12673 bases into the intron before coding-DNA position 1965, C replaced by T.
Molecular consequence: intron variant. On other transcripts: missense variant (1).
Genome position (GRCh38, 1-based): chr4:168,878,249, C>T. VCF-style: chr4-168878249-C-T. GRCh37 (hg19) VCF-style: chr4-169799400-C-T.
Other names: c.358C>T, p.Pro120Ser (NM_001166110.2); c.1965-12673C>T (NM_016081.4); c.819-12673C>T (NM_001166109.2); c.-157-12673C>T (NM_001367570.1, NM_001367568.1, NM_001367567.1 and 1 more transcripts); short protein forms P120S.
Identifiers: ClinVar variation 410610 (VCV000410610.7), dbSNP rs925242863, ClinGen allele CA16611422.

ClinVar aggregate classification (germline): Uncertain significance (1 of 4 stars; one submission).

Conditions:
Pancreatic adenocarcinoma. Identifiers: MedGen C0281361, MONDO:0006047, HP:0006725.

Allele frequency attached by ClinVar (database versions not stated): gnomAD 0.00004; gnomAD exomes 0.00002 and 0.00003; TOPMed 0.00003.
gnomAD v4.1: 31 of 1,522,990 alleles (0.002%); highest among the groups gnomAD compares: African/African-American, 0.0028%; no homozygotes.

Submission:

Labcorp Genetics (formerly Invitae), Labcorp
Classification: Uncertain significance for Pancreatic adenocarcinoma. Last evaluated: 2025-08-07. Review status: criteria provided, single submitter. Criteria: Invitae Variant Classification Sherloc (09022015). Collection method: clinical testing. Allele origin: germline.
Comment: This sequence change replaces proline, which is neutral and non-polar, with serine, which is neutral and polar, at codon 120 of the PALLD protein (p.Pro120Ser). This variant is present in population databases (no rsID available, gnomAD 0.005%). This variant has not been reported in the literature in individuals affected with PALLD-related conditions. ClinVar contains an entry for this variant (Variation ID: 410610). An algorithm developed to predict the effect of missense changes on protein structure and function (PolyPhen-2) suggests that this variant is likely to be tolerated. In summary, the available evidence is currently insufficient to determine the role of this variant in disease. Therefore, it has been classified as a Variant of Uncertain Significance.